The following is an entry in ClinVar:

NM_005378.6(MYCN):c.992A>C (p.Asn331Thr)

Gene: MYCN (MYCN proto-oncogene, bHLH transcription factor; plus strand). Cytogenetic location: 2p24.3.
Variant type: single nucleotide variant.
Coding change: c.992A>C on transcript NM_005378.6 (MANE Select); coding-DNA position 992, A replaced by C.
Protein change: p.Asn331Thr; replaces asparagine 331 with threonine.
Molecular consequence: missense variant. On other transcripts: 3 prime UTR variant (1).
Genome position (GRCh38, 1-based): chr2:15,945,694, A>C. VCF-style: chr2-15945694-A-C. GRCh37 (hg19) VCF-style: chr2-16085816-A-C.
Other names: c.992A>C, p.Asn331Thr (NM_001293228.2); c.359A>C, p.Asn120Thr (NM_001293231.2); c.*927A>C (NM_001293233.2); short protein forms N120T, N331T.
Identifiers: ClinVar variation 5018989 (VCV005018989.2).

ClinVar aggregate classification (germline): Uncertain significance (1 of 4 stars; one submission).

Conditions:
Megalencephaly-polydactyly syndrome (MPAPA). Identifiers: MedGen C5935591, MONDO:0958279, OMIM 620748.
Feingold syndrome type 1 (FGLDS1). Also called: MICROCEPHALY, MENTAL RETARDATION, AND TRACHEOESOPHAGEAL FISTULA SYNDROME; MICROCEPHALY-OCULO-DIGITO-ESOPHAGEAL-DUODENAL SYNDROME; OCULODIGITOESOPHAGODUODENAL SYNDROME; ODED SYNDROME; MICROCEPHALY AND DIGITAL ABNORMALITIES WITH NORMAL INTELLIGENCE. Identifiers: Orphanet 1305, Orphanet 391641, MedGen C4551774, MONDO:0008115, OMIM 164280.

Submission:

Juno Genomics, Hangzhou Juno Genomics, Inc
Classification: Uncertain significance for Megalencephaly-polydactyly syndrome; Feingold syndrome type 1. Review status: criteria provided, single submitter. Criteria: ACMG Guidelines, 2015. Collection method: clinical testing. Allele origin: germline.
Comment: Absent from controls (or at extremely low frequency if recessive) in Genome Aggregation Database.